The following is an entry in ClinVar:

NM_003640.5(ELP1):c.349del (p.Trp117fs)

Gene: ELP1 (elongator acetyltransferase complex subunit 1; minus strand). Cytogenetic location: 9q31.3.
Variant type: Deletion.
Coding change: c.349del on transcript NM_003640.5 (MANE Select); coding-DNA position 349, one base deleted (T; older notation c.349delT).
Protein change: p.Trp117fs; shifts the reading frame from tryptophan 117.
Molecular consequence: frameshift variant. On other transcripts: 5 prime UTR variant (1).
Genome position (GRCh38, 1-based): chr9:108,927,408, A deleted on the plus strand (T on the coding strand, the reverse complement: ELP1 is on the minus strand); the first of 2 consecutive A bases (chr9:108,927,408-108,927,409); deleting either gives the same sequence. VCF-style (leftmost placement, unchanged base first): chr9-108927407-CA-C. GRCh37 (hg19) VCF-style: chr9-111689687-CA-C.
Other names: c.7del, p.Trp3fs (NM_001318360.2); c.-511del (NM_001330749.2); c.349delT (NM_003640.3); short protein forms W117fs, W3fs.
Identifiers: ClinVar variation 648167 (VCV000648167.8), dbSNP rs1587924458, ClinGen allele CA915947141.

ClinVar aggregate classification (germline): Pathogenic/Likely pathogenic. Review status: criteria provided, multiple submitters, no conflicts (2 of 4 stars). 2 submissions from 2 submitters: Pathogenic (1); Likely pathogenic (1). Last evaluated 2025-06-07.

Submissions (2):

Dasa
Classification: Likely pathogenic. Last evaluated: 2025-06-07. Review status: criteria provided, single submitter. Criteria: DASA Assertion Criteria. Collection method: clinical testing. Allele origin: germline.
Comment: NM_003640.5(ELP1):c.349del (p.Trp117Glyfs*17) is a frameshift variant in ELP1 predicted to alter the reading frame and introduce a premature termination codon and is predicted to result in an absent or altered protein product. Loss of function is an established disease mechanism for ELP1-associated disorders. Also, this variant is absent from population databases. Based on the currently available evidence, this variant is classified as likely pathogenic.

Labcorp Genetics (formerly Invitae), Labcorp
Classification: Pathogenic. Last evaluated: 2018-08-17. Review status: criteria provided, single submitter. Criteria: Invitae Variant Classification Sherloc (09022015). Collection method: clinical testing. Allele origin: germline.
Comment: This variant has not been reported in the literature in individuals with IKBKAP-related disease. For these reasons, this variant has been classified as Pathogenic. Loss-of-function variants in IKBKAP are known to be pathogenic (PMID: 18303054, 24173031). This variant is not present in population databases (ExAC no frequency). This sequence change creates a premature translational stop signal (p.Trp117Glyfs*17) in the IKBKAP gene. It is expected to result in an absent or disrupted protein product.

Literature cited by the submitters: PubMed 18303054 (cited by Labcorp Genetics (formerly Invitae), Labcorp); PubMed 24173031 (cited by Labcorp Genetics (formerly Invitae), Labcorp).